The following is an entry in ClinVar:

NM_022168.4(IFIH1):c.2899-4C>T

Gene: IFIH1 (interferon induced with helicase C domain 1; minus strand). Cytogenetic location: 2q24.2.
Variant type: single nucleotide variant.
Coding change: c.2899-4C>T on transcript NM_022168.4 (MANE Select); 4 bases into the intron before coding-DNA position 2899, C replaced by T.
Molecular consequence: intron variant.
Genome position (GRCh38, 1-based): chr2:162,267,383, G>A on the plus strand (C>T on the coding strand, the complement: IFIH1 is on the minus strand). VCF-style: chr2-162267383-G-A. GRCh37 (hg19) VCF-style: chr2-163123893-G-A.
Identifiers: ClinVar variation 705601 (VCV000705601.27), dbSNP rs114541610, ClinGen allele CA1934022.

ClinVar aggregate classification (germline): Benign/Likely benign. Review status: criteria provided, multiple submitters, no conflicts (2 of 4 stars). 4 submissions from 4 submitters: Benign (2); Likely benign (2). Last evaluated 2026-01-23.

Conditions:
Aicardi-Goutieres syndrome 7 (AGS7). Identifiers: Orphanet 51, MedGen C3888244, MONDO:0014367, OMIM 615846.
Singleton-Merten syndrome 1 (SGMRT1). Also called: Widened medullary cavities of bone, aortic calcification, abnormal dentition, and muscular weakness; Syndrome of widened medullary cavities of the metacarpals and phalanges, aortic calcification and abnormal dentition. Identifiers: Orphanet 85191, MedGen C4225427, MONDO:0024535, OMIM 182250.

Allele frequency attached by ClinVar (database versions not stated): gnomAD exomes 0.00017 and 0.00049; ExAC 0.00059; gnomAD 0.00201 and 0.00220; ESP Exome Variant Server 0.00215; TOPMed 0.00218; 1000 Genomes Project 0.00280; 1000 Genomes Project 30x 0.00297.
gnomAD v4.1: 560 of 1,613,748 alleles (0.035%); highest among the groups gnomAD compares: African/African-American, 0.7%; 4 homozygotes.

Submissions (4):

Women's Health and Genetics/Laboratory Corporation of America, LabCorp
Classification: Benign. Last evaluated: 2026-01-23. Review status: criteria provided, single submitter. Criteria: LabCorp Variant Classification Summary - May 2015. Collection method: clinical testing. Allele origin: germline.

Labcorp Genetics (formerly Invitae), Labcorp
Classification: Benign for Aicardi-Goutieres syndrome 7; Singleton-Merten syndrome 1. Last evaluated: 2026-01-05. Review status: criteria provided, single submitter. Criteria: Invitae Variant Classification Sherloc (09022015). Collection method: clinical testing. Allele origin: germline.

Blueprint Genetics
Classification: Likely benign. Last evaluated: 2024-10-18. Review status: criteria provided, single submitter. Criteria: ACMG Guidelines, 2015. Collection method: clinical testing. Allele origin: germline.

CeGaT Center for Human Genetics Tuebingen
Classification: Likely benign. Last evaluated: 2024-09-01. Review status: criteria provided, single submitter. Criteria: CeGaT Center For Human Genetics Tuebingen Variant Classification Criteria Version 2. Collection method: clinical testing. Allele origin: germline. Affected: yes. Observed: 1 variant allele.
Comment: IFIH1: BP4, BS2